The following is an entry in ClinVar:

NM_016180.5(SLC45A2):c.1135G>A (p.Val379Met)

Gene: SLC45A2 (solute carrier family 45 member 2; minus strand). Cytogenetic location: 5p13.2.
Variant type: single nucleotide variant.
Coding change: c.1135G>A on transcript NM_016180.5 (MANE Select); coding-DNA position 1135, G replaced by A.
Protein change: p.Val379Met; replaces valine 379 with methionine.
Molecular consequence: missense variant. On other transcripts: 3 prime UTR variant (1).
Genome position (GRCh38, 1-based): chr5:33,951,575, C>T on the plus strand (G>A on the coding strand, the complement: SLC45A2 is on the minus strand). VCF-style: chr5-33951575-C-T. GRCh37 (hg19) VCF-style: chr5-33951680-C-T.
Other names: c.1135G>A, p.Val379Met (NM_001012509.4); c.*77G>A (NM_001297417.4); short protein forms V379M.
Identifiers: ClinVar variation 1497604 (VCV001497604.3), dbSNP rs753809926, ClinGen allele CA3225575.

ClinVar aggregate classification (germline): Uncertain significance (1 of 4 stars; one submission).

Allele frequency attached by ClinVar (database versions not stated): gnomAD 0.00002.
gnomAD v4.1: 47 of 1,614,014 alleles (0.0029%); highest among the groups gnomAD compares: African/African-American, 0.0067%; no homozygotes.

Submission:

Labcorp Genetics (formerly Invitae), Labcorp
Classification: Uncertain significance. Last evaluated: 2022-02-25. Review status: criteria provided, single submitter. Criteria: Invitae Variant Classification Sherloc (09022015). Collection method: clinical testing. Allele origin: germline.
Comment: This sequence change replaces valine, which is neutral and non-polar, with methionine, which is neutral and non-polar, at codon 379 of the SLC45A2 protein (p.Val379Met). This variant is present in population databases (rs753809926, gnomAD 0.01%). This variant has not been reported in the literature in individuals affected with SLC45A2-related conditions. Algorithms developed to predict the effect of missense changes on protein structure and function output the following: SIFT: "Deleterious"; PolyPhen-2: "Benign"; Align-GVGD: "Class C0". The methionine amino acid residue is found in multiple mammalian species, which suggests that this missense change does not adversely affect protein function. In summary, the available evidence is currently insufficient to determine the role of this variant in disease. Therefore, it has been classified as a Variant of Uncertain Significance.